The following is an entry in ClinVar:

ClinVar aggregate classification (germline): Pathogenic/Likely pathogenic. Review status: criteria provided, multiple submitters, no conflicts (2 of 4 stars). 2 submissions from 2 submitters: Pathogenic (1); Likely pathogenic (1). Last evaluated 2023-06-23.

Conditions:
DNAH11-related disorder. Also called: DNAH11-related condition.
Primary ciliary dyskinesia. Also called: Ciliary dyskinesia. Identifiers: Orphanet 244, MedGen C0008780, MONDO:0016575, HP:0012265.

Allele frequency attached by ClinVar (database versions not stated): gnomAD exomes below 0.00001.
gnomAD v4.1: 1 of 1,613,632 alleles (0.000062%); highest among the groups gnomAD compares: Non-Finnish European, 0.000085%; no homozygotes.

Submissions (2):

PreventionGenetics, part of Exact Sciences
Classification: Likely pathogenic for DNAH11-related condition. Last evaluated: 2023-06-23. Review status: criteria provided, single submitter. Criteria: ACMG Guidelines, 2015. Collection method: clinical testing. Allele origin: germline.
Comment: The DNAH11 c.4044G>A variant is predicted to result in premature protein termination (p.Trp1348*). To our knowledge, this variant has not been reported in the literature or in a large population database, indicating this variant is rare. Nonsense variants in DNAH11 are expected to be pathogenic. This variant is interpreted as likely pathogenic.

Labcorp Genetics (formerly Invitae), Labcorp
Classification: Pathogenic for Primary ciliary dyskinesia. Last evaluated: 2023-05-16. Review status: criteria provided, single submitter. Criteria: Invitae Variant Classification Sherloc (09022015). Collection method: clinical testing. Allele origin: germline.
Comment: For these reasons, this variant has been classified as Pathogenic. This sequence change creates a premature translational stop signal (p.Trp1348*) in the DNAH11 gene. It is expected to result in an absent or disrupted protein product. Loss-of-function variants in DNAH11 are known to be pathogenic (PMID: 18022865, 20513915, 22184204). This variant is not present in population databases (gnomAD no frequency). This variant has not been reported in the literature in individuals affected with DNAH11-related conditions.

Literature cited by the submitters: PubMed 18022865 (cited by Labcorp Genetics (formerly Invitae), Labcorp); PubMed 20513915 (cited by Labcorp Genetics (formerly Invitae), Labcorp); PubMed 22184204 (cited by Labcorp Genetics (formerly Invitae), Labcorp).

NM_001277115.2(DNAH11):c.4044G>A (p.Trp1348Ter)

Gene: DNAH11 (dynein axonemal heavy chain 11; plus strand). Cytogenetic location: 7p15.3.
Variant type: single nucleotide variant.
Coding change: c.4044G>A on transcript NM_001277115.2 (MANE Select); coding-DNA position 4044, G replaced by A.
Protein change: p.Trp1348Ter; replaces tryptophan 1348 with a stop codon.
Molecular consequence: nonsense.
Genome position (GRCh38, 1-based): chr7:21,616,241, G>A. VCF-style: chr7-21616241-G-A. GRCh37 (hg19) VCF-style: chr7-21655859-G-A.
Other names: c.4044G>A, p.Trp1348Ter (NM_003777.3); short protein forms W1348*.
Identifiers: ClinVar variation 2632475 (VCV002632475.4), dbSNP rs908792916, ClinGen allele CA366951446.